The following is an entry in ClinVar:

NM_000548.5(TSC2):c.5330_5339del (p.Pro1777fs)

Gene: TSC2 (TSC complex subunit 2; plus strand). Cytogenetic location: 16p13.3.
Variant type: Deletion.
Coding change: c.5330_5339del on transcript NM_000548.5 (MANE Select); coding-DNA positions 5330 to 5339, 10 bases deleted (CTGCACAGAC; older notation c.5330_5339delCTGCACAGAC).
Protein change: p.Pro1777fs; shifts the reading frame from proline 1777.
Molecular consequence: frameshift variant.
Genome position (GRCh38, 1-based): chr16:2,088,516-2,088,525, CTGCACAGAC deleted; deleting any 10 consecutive bases within chr16:2,088,515-2,088,525 gives the same sequence; the c. name uses the placement nearest the transcript's 3' end. VCF-style (leftmost placement, unchanged base first): chr16-2088514-CCCTGCACAGA-C. GRCh37 (hg19) VCF-style: chr16-2138515-CCCTGCACAGA-C.
Other names: c.5129_5138del, p.Pro1710fs (NM_001077183.3); c.5261_5270del, p.Pro1754fs (NM_001114382.3); c.5021_5030del, p.Pro1674fs (NM_001318827.2); c.4985_4994del, p.Pro1662fs (NM_001318829.2); c.4598_4607del, p.Pro1533fs (NM_001318831.2); c.5162_5171del, p.Pro1721fs (NM_001318832.2); c.5132_5141del, p.Pro1711fs (NM_001363528.2); c.5198_5207del, p.Pro1733fs (NM_001370404.1); and 2 more; short protein forms P1662fs, P1730fs, P1733fs, P1754fs, P1710fs, P1711fs, P1721fs, P1734fs.
Identifiers: ClinVar variation 1499602 (VCV001499602.6), dbSNP rs2151640132, ClinGen allele CA2573151990.

ClinVar aggregate classification (germline): Uncertain significance (1 of 4 stars; one submission).

Conditions:
Tuberous sclerosis 2 (TSC2). Identifiers: Orphanet 805, MedGen C1860707, MONDO:0013199, OMIM 613254.

Submission:

Labcorp Genetics (formerly Invitae), Labcorp
Classification: Uncertain significance for Tuberous sclerosis 2. Last evaluated: 2021-04-21. Review status: criteria provided, single submitter. Criteria: Invitae Variant Classification Sherloc (09022015). Collection method: clinical testing. Allele origin: germline.
Comment: In summary, the available evidence is currently insufficient to determine the role of this variant in disease. Therefore, it has been classified as a Variant of Uncertain Significance. This variant has not been reported in the literature in individuals with TSC2-related conditions. This variant is not present in population databases (ExAC no frequency). This sequence change results in a frameshift in the TSC2 gene (p.Pro1777Leufs*46). While this is not anticipated to result in nonsense mediated decay, it is expected to disrupt the last 31 amino acid(s) of the TSC2 protein and extend the protein by 14 additional amino acid residues.